The following is an entry in ClinVar:

ClinVar aggregate classification (germline): Uncertain significance (1 of 4 stars; one submission).

Conditions:
Mucopolysaccharidosis type 1. Also called: IDUA deficiency; MPS I. Identifiers: Orphanet 579, MedGen C0023786, MONDO:0001586.

Allele frequency attached by ClinVar (database versions not stated): gnomAD exomes 0.00001; gnomAD 0.00002.
gnomAD v4.1: 20 of 1,360,998 alleles (0.0015%); highest among the groups gnomAD compares: Non-Finnish European, 0.0018%; no homozygotes.

Submission:

Labcorp Genetics (formerly Invitae), Labcorp
Classification: Uncertain significance for Mucopolysaccharidosis type 1. Last evaluated: 2022-04-04. Review status: criteria provided, single submitter. Criteria: Invitae Variant Classification Sherloc (09022015). Collection method: clinical testing. Allele origin: germline.
Comment: This sequence change replaces proline, which is neutral and non-polar, with leucine, which is neutral and non-polar, at codon 464 of the IDUA protein (p.Pro464Leu). This variant is not present in population databases (gnomAD no frequency). This variant has not been reported in the literature in individuals affected with IDUA-related conditions. Algorithms developed to predict the effect of missense changes on protein structure and function are either unavailable or do not agree on the potential impact of this missense change (SIFT: "Deleterious"; PolyPhen-2: "Benign"; Align-GVGD: "Class C0"). In summary, the available evidence is currently insufficient to determine the role of this variant in disease. Therefore, it has been classified as a Variant of Uncertain Significance.

NM_000203.5(IDUA):c.1391C>T (p.Pro464Leu)

Gene: IDUA (alpha-L-iduronidase; plus strand). Cytogenetic location: 4p16.3.
Variant type: single nucleotide variant.
Coding change: c.1391C>T on transcript NM_000203.5 (MANE Select); coding-DNA position 1391, C replaced by T.
Protein change: p.Pro464Leu; replaces proline 464 with leucine.
Molecular consequence: missense variant. On other transcripts: non-coding transcript variant (1).
Genome position (GRCh38, 1-based): chr4:1,002,933, C>T. VCF-style: chr4-1002933-C-T. GRCh37 (hg19) VCF-style: chr4-996721-C-T.
Other names: c.995C>T, p.Pro332Leu (NM_001363576.1); short protein forms P464L, P332L.
Identifiers: ClinVar variation 2160717 (VCV002160717.1), dbSNP rs989669026, ClinGen allele CA91170103.
Genomic context (GRCh38, chr4:1,002,933, plus strand): 5'-ACGACACCCGCGCCCACCCCAACCGCAGCGTCGCGGTGACCCTGCGGCTGCGCGGGGTGC[C>T]CCCCGGCCCGGGTAAGCCGGGGTTCCAGGGAGGTCTCTGGCCCCGCTGGGGCTCTGGAGG-3'
Protein context (NP_000194.2, residues 454-474): VAVTLRLRGV[Pro464Leu]PGPGLVYVTR